The following is an entry in ClinVar:

ClinVar aggregate classification (germline): Pathogenic/Likely pathogenic. Review status: criteria provided, multiple submitters, no conflicts (2 of 4 stars). 4 submissions from 4 submitters: Pathogenic (2); Likely pathogenic (2). Last evaluated 2026-05-26.

Conditions:
Retinal disorder. Also called: Retinopathy; Retinal disorders; Retinopathies; Retinal Diseases. Identifiers: MedGen C0035309, MONDO:0005283, HP:0000488.
BEST1-related disorder. Also called: BEST1-related condition; BEST1-related disorders. Identifiers: MedGen CN239200.

Allele frequency attached by ClinVar (database versions not stated): ExAC 0.00001; gnomAD exomes 0.00001 and 0.00002; gnomAD 0.00005 and 0.00006; ESP Exome Variant Server 0.00008; TOPMed 0.00010.
gnomAD v4.1: 18 of 1,614,102 alleles (0.0011%); highest among the groups gnomAD compares: Admixed American, 0.017%; no homozygotes.

Submissions (4):

PreventionGenetics, part of Exact Sciences
Classification: Likely pathogenic for BEST1-related condition. Last evaluated: 2026-05-26. Review status: criteria provided, single submitter. Criteria: ACMG Guidelines, 2015. Collection method: clinical testing. Allele origin: germline.
Comment: The BEST1 c.821C>G variant is predicted to result in the amino acid substitution p.Pro274Arg. This variant has been reported in the homozygous and compound heterozygous states in individuals with autosomal recessive vitelliform macular dystrophy (see for example: Kinnick et al. 2011. PubMed ID: 21273940; Fung et al. 2015. PubMed ID: 25545482; Li et al. 2017. PubMed ID: 29063836; Table S1, Lin et al. 2024. PubMed ID: 38219857). This variant is reported in 0.031% of alleles in individuals of African descent in gnomAD. This variant is interpreted as likely pathogenic for autosomal recessive BEST1-related retinal disease, but it is uncertain if this variant would be causative in the heterozygous state.

Genetics Laboratory, Great Ormond Street Hospital NHS Foundation Trust, North Thames Genomic Laboratory Hub
Classification: Likely pathogenic for Retinal disorders. Last evaluated: 2026-01-23. Review status: criteria provided, single submitter. Criteria: ACGS Best Practice Guidelines for Variant Classification in Rare Disease 2024 v1.2. Collection method: clinical testing. Allele origin: germline. Affected: yes.
Comment: PM2_moderate, PP3_supporting, PS3_supporting, PM3_moderate

Labcorp Genetics (formerly Invitae), Labcorp
Classification: Pathogenic. Last evaluated: 2025-10-16. Review status: criteria provided, single submitter. Criteria: Invitae Variant Classification Sherloc (09022015). Collection method: clinical testing. Allele origin: germline.
Comment: This sequence change replaces proline, which is neutral and non-polar, with arginine, which is basic and polar, at codon 274 of the BEST1 protein (p.Pro274Arg). This variant is present in population databases (rs62639270, gnomAD 0.03%). This missense change has been observed in individual(s) with autosomal recessive BEST1-related conditions (PMID: 21273940, 25545482). In at least one individual the data is consistent with being in trans (on the opposite chromosome) from a pathogenic variant. ClinVar contains an entry for this variant (Variation ID: 851138). Invitae Evidence Modeling of protein sequence and biophysical properties (such as structural, functional, and spatial information, amino acid conservation, physicochemical variation, residue mobility, and thermodynamic stability) indicates that this missense variant is expected to disrupt BEST1 protein function with a positive predictive value of 95%. Experimental studies have shown that this missense change affects BEST1 function (PMID: 29063836). For these reasons, this variant has been classified as Pathogenic.

Blueprint Genetics
Classification: Pathogenic for BEST1-related disorders. Last evaluated: 2024-05-17. Review status: criteria provided, single submitter. Criteria: ACMG Guidelines, 2015. Collection method: clinical testing. Allele origin: germline. Affected: yes. Observed: 5 variant alleles.

Literature cited by the submitters: PubMed 21273940 (cited by Labcorp Genetics (formerly Invitae), Labcorp); PubMed 25545482 (cited by Labcorp Genetics (formerly Invitae), Labcorp); PubMed 29063836 (cited by Labcorp Genetics (formerly Invitae), Labcorp).

NM_004183.4(BEST1):c.821C>G (p.Pro274Arg)

Gene: BEST1 (bestrophin 1; plus strand). Cytogenetic location: 11q12.3.
Variant type: single nucleotide variant.
Coding change: c.821C>G on transcript NM_004183.4 (MANE Select); coding-DNA position 821, C replaced by G.
Protein change: p.Pro274Arg; replaces proline 274 with arginine.
Molecular consequence: missense variant. On other transcripts: non-coding transcript variant (1).
Genome position (GRCh38, 1-based): chr11:61,958,252, C>G. VCF-style: chr11-61958252-C-G. GRCh37 (hg19) VCF-style: chr11-61725724-C-G.
Other names: c.641C>G, p.Pro214Arg (NM_001139443.3, NM_001300786.2, NM_001300787.2); c.503C>G, p.Pro168Arg (NM_001363591.3); c.821C>G, p.Pro274Arg (NM_001363592.2); c.-355C>G (NM_001363593.3); short protein forms P168R, P274R, P214R.
Identifiers: ClinVar variation 851138 (VCV000851138.13), dbSNP rs62639270, ClinGen allele CA6040862.